The following is an entry in ClinVar:

NM_002474.3(MYH11):c.4177G>C (p.Gly1393Arg)

Genes: NDE1 (nudE neurodevelopment protein 1; plus strand), MYH11 (myosin heavy chain 11; minus strand). Cytogenetic location: 16p13.11.
Variant type: single nucleotide variant.
Coding change: c.4177G>C on transcript NM_002474.3 (MANE Select); coding-DNA position 4177, G replaced by C.
Protein change: p.Gly1393Arg; replaces glycine 1393 with arginine.
Molecular consequence: missense variant. On other transcripts: 3 prime UTR variant (2).
Genome position (GRCh38, 1-based): chr16:15,724,349, C>G on the plus strand (G>C on the coding strand, the complement: MYH11 is on the minus strand). VCF-style: chr16-15724349-C-G. GRCh37 (hg19) VCF-style: chr16-15818206-C-G.
Other names: p.G1393R:GGG>CGG; c.4198G>C, p.Gly1400Arg (NM_001040113.2, NM_001040114.2); c.4177G>C, p.Gly1393Arg (NM_022844.3); c.*98C>G (NM_001143979.2, NM_017668.3); short protein forms G1393R, G1400R.
Identifiers: ClinVar variation 201113 (VCV000201113.24), dbSNP rs143620567, ClinGen allele CA306676.

ClinVar aggregate classification (germline): Likely benign. Review status: criteria provided, multiple submitters, no conflicts (2 of 4 stars). 6 submissions from 6 submitters: Likely benign (5). 1 of the submissions does not count toward it. Last evaluated 2025-12-20.

Conditions:
MYH11-related disorder. Also called: MYH11-related condition.
Familial thoracic aortic aneurysm and aortic dissection (TAAD). Also called: Thoracic aortic aneurysms and dissections. Identifiers: Orphanet 91387, MedGen C4707243, MONDO:0019625.
Aortic aneurysm, familial thoracic 4 (AAT4). Also called: AORTIC ANEURYSM/AORTIC DISSECTION AND PATENT DUCTUS ARTERIOSUS. Identifiers: MedGen C1851504, MONDO:0007568, OMIM 132900.

Allele frequency attached by ClinVar (database versions not stated): gnomAD exomes 0.00006 and 0.00014; ExAC 0.00017; gnomAD 0.00047 and 0.00050; TOPMed 0.00048; ESP Exome Variant Server 0.00085; 1000 Genomes Project 0.00140; 1000 Genomes Project 30x 0.00156.
gnomAD v4.1: 154 of 1,614,132 alleles (0.0095%); highest among the groups gnomAD compares: African/African-American, 0.19%; no homozygotes.

Submissions (6):

Labcorp Genetics (formerly Invitae), Labcorp
Classification: Likely benign for Aortic aneurysm, familial thoracic 4. Last evaluated: 2025-12-20. Review status: criteria provided, single submitter. Criteria: Invitae Variant Classification Sherloc (09022015). Collection method: clinical testing. Allele origin: germline.

Women's Health and Genetics/Laboratory Corporation of America, LabCorp
Classification: Likely benign. Last evaluated: 2024-07-14. Review status: criteria provided, single submitter. Criteria: LabCorp Variant Classification Summary - May 2015. Collection method: clinical testing. Allele origin: germline.

Ambry Genetics
Classification: Likely benign for Familial thoracic aortic aneurysm and aortic dissection. Last evaluated: 2022-03-27. Review status: criteria provided, single submitter. Criteria: Ambry Variant Classification Scheme 2023. Collection method: clinical testing. Allele origin: germline.

GeneDx
Classification: Likely benign. Last evaluated: 2021-01-19. Review status: criteria provided, single submitter. Criteria: GeneDx Variant Classification Process June 2021. Collection method: clinical testing. Allele origin: germline. Affected: yes.

Color Diagnostics, LLC DBA Color Health
Classification: Likely benign for Familial thoracic aortic aneurysm and aortic dissection. Last evaluated: 2018-11-30. Review status: criteria provided, single submitter. Criteria: ACMG Guidelines, 2015. Collection method: clinical testing. Allele origin: germline.

PreventionGenetics, part of Exact Sciences
Classification: Likely benign for MYH11-related condition. Last evaluated: 2022-08-22. Review status: no assertion criteria provided. Collection method: clinical testing. Allele origin: germline. Not counted in ClinVar's aggregate classification.
Comment: This variant is classified as likely benign based on ACMG/AMP sequence variant interpretation guidelines (Richards et al. 2015 PMID: 25741868, with internal and published modifications).